The following is an entry in ClinVar:

ClinVar aggregate classification (germline): Uncertain significance (1 of 4 stars; one submission).

Conditions:
Ataxia-telangiectasia syndrome (AT). Also called: Cerebello-oculocutaneous telangiectasia; Immunodeficiency with ataxia telangiectasia; AT, COMPLEMENTATION GROUP C; ATAXIA-TELANGIECTASIA, COMPLEMENTATION GROUP A; ATAXIA-TELANGIECTASIA, FRESNO VARIANT; LOUIS-BAR SYNDROME. Identifiers: Orphanet 100, MedGen C0004135, MONDO:0008840, OMIM 208900.

Submission:

Labcorp Genetics (formerly Invitae), Labcorp
Classification: Uncertain significance for Ataxia-telangiectasia syndrome. Last evaluated: 2021-07-13. Review status: criteria provided, single submitter. Criteria: Invitae Variant Classification Sherloc (09022015). Collection method: clinical testing. Allele origin: germline.
Comment: This sequence change replaces lysine with asparagine at codon 1560 of the ATM protein (p.Lys1560Asn). The lysine residue is moderately conserved and there is a moderate physicochemical difference between lysine and asparagine. This variant is not present in population databases (ExAC no frequency). This variant has not been reported in the literature in individuals affected with ATM-related conditions. Advanced modeling of protein sequence and biophysical properties (such as structural, functional, and spatial information, amino acid conservation, physicochemical variation, residue mobility, and thermodynamic stability) performed at Invitae indicates that this missense variant is not expected to disrupt ATM protein function. In summary, the available evidence is currently insufficient to determine the role of this variant in disease. Therefore, it has been classified as a Variant of Uncertain Significance.

NM_000051.4(ATM):c.4680G>C (p.Lys1560Asn)

Gene: ATM (ATM serine/threonine kinase; plus strand). Cytogenetic location: 11q22.3.
Variant type: single nucleotide variant.
Coding change: c.4680G>C on transcript NM_000051.4 (MANE Select); coding-DNA position 4680, G replaced by C.
Protein change: p.Lys1560Asn; replaces lysine 1560 with asparagine.
Molecular consequence: missense variant.
Genome position (GRCh38, 1-based): chr11:108,293,381, G>C. VCF-style: chr11-108293381-G-C. GRCh37 (hg19) VCF-style: chr11-108164108-G-C.
Other names: c.4680G>C, p.Lys1560Asn (NM_001351834.2); short protein forms K1560N.
Identifiers: ClinVar variation 1505086 (VCV001505086.8), dbSNP rs2135811674, ClinGen allele CA382534744.